The following is an entry in ClinVar:

NM_001999.4(FBN2):c.8239C>G (p.Leu2747Val)

Gene: FBN2 (fibrillin 2; minus strand). Cytogenetic location: 5q23.3.
Variant type: single nucleotide variant.
Coding change: c.8239C>G on transcript NM_001999.4 (MANE Select); coding-DNA position 8239, C replaced by G.
Protein change: p.Leu2747Val; replaces leucine 2747 with valine.
Molecular consequence: missense variant.
Genome position (GRCh38, 1-based): chr5:128,261,861, G>C on the plus strand (C>G on the coding strand, the complement: FBN2 is on the minus strand). VCF-style: chr5-128261861-G-C. GRCh37 (hg19) VCF-style: chr5-127597553-G-C.
Other names: p.Leu2747Val; short protein forms L2747V.
Identifiers: ClinVar variation 213255 (VCV000213255.33), dbSNP rs145353444, ClinGen allele CA320216.
Genomic context (GRCh38, chr5:128,261,861, plus strand): 5'-TTTTGCACTCGTAGCATGCTTCTGGGGACAGAGCATTTTCCTCATCGACCTCTGTATCCA[G>C]TGACAGGTACTGCCCCTTGTTAAATCCCATTCCTGAGACACAGTGGCTATTTGCAAAAAG-3'
Protein context (NP_001990.2, residues 2737-2757): MGFNKGQYLS[Leu2747Val]DTEVDEENAL

ClinVar aggregate classification (germline): Conflicting classifications of pathogenicity. Review status: criteria provided, conflicting classifications (1 of 4 stars). 8 submissions from 8 submitters: Uncertain significance (3); Likely benign (5). Last evaluated 2025-10-29.

Conditions:
Macular degeneration, early-onset (EOMD). Identifiers: MedGen C4015286, MONDO:0014501, OMIM 616118.
Congenital contractural arachnodactyly (CCA). Also called: BEALS SYNDROME; Beals-Hecht syndrome; Arthrogryposis, distal, type 9. Identifiers: Orphanet 115, MedGen C0220668, MONDO:0007363, OMIM 121050.
Ehlers-Danlos syndrome (EDS). Identifiers: Orphanet 98249, MedGen C0013720, MONDO:0020066.
Familial thoracic aortic aneurysm and aortic dissection (TAAD). Also called: Thoracic aortic aneurysms and dissections. Identifiers: Orphanet 91387, MedGen C4707243, MONDO:0019625.

Allele frequency attached by ClinVar (database versions not stated): TOPMed 0.00010; gnomAD exomes 0.00016 and 0.00004; ESP Exome Variant Server 0.00038; ExAC 0.00002; gnomAD 0.00008 and 0.00009.
gnomAD v4.1: 238 of 1,614,020 alleles (0.015%); highest among the groups gnomAD compares: Non-Finnish European, 0.02%; no homozygotes.

Submissions (8):

Ambry Genetics
Classification: Likely benign for Familial thoracic aortic aneurysm and aortic dissection. Last evaluated: 2025-10-29. Review status: criteria provided, single submitter. Criteria: Ambry Variant Classification Scheme 2023. Collection method: clinical testing. Allele origin: germline.

Labcorp Genetics (formerly Invitae), Labcorp
Classification: Likely benign for Congenital contractural arachnodactyly. Last evaluated: 2025-07-15. Review status: criteria provided, single submitter. Criteria: Invitae Variant Classification Sherloc (09022015). Collection method: clinical testing. Allele origin: germline.

GeneDx
Classification: Uncertain significance. Last evaluated: 2025-05-22. Review status: criteria provided, single submitter. Criteria: GeneDx Variant Classification Process June 2021. Collection method: clinical testing. Allele origin: germline. Affected: yes.
Comment: Has not been previously published as pathogenic or benign to our knowledge; In silico analysis suggests that this missense variant does not alter protein structure/function

Mayo Clinic Laboratories, Mayo Clinic
Classification: Likely benign. Last evaluated: 2025-03-05. Review status: criteria provided, single submitter. Criteria: ACMG Guidelines, 2015. Collection method: clinical testing. Allele origin: germline. Observed: 1 variant allele.
Comment: BS1, BP4

Blueprint Genetics
Classification: Likely benign. Last evaluated: 2024-09-11. Review status: criteria provided, single submitter. Criteria: ACMG Guidelines, 2015. Collection method: clinical testing. Allele origin: germline.

Fulgent Genetics
Classification: Uncertain significance for Congenital contractural arachnodactyly; Macular degeneration, early-onset. Last evaluated: 2024-04-30. Review status: criteria provided, single submitter. Criteria: ACMG Guidelines, 2015. Collection method: clinical testing. Allele origin: germline.

Genome Diagnostics Laboratory, The Hospital for Sick Children
Classification: Likely benign for Ehlers-Danlos syndrome. Last evaluated: 2021-12-31. Review status: criteria provided, single submitter. Criteria: ACMG Guidelines, 2015. Collection method: clinical testing. Allele origin: germline.

Illumina Laboratory Services, Illumina
Classification: Uncertain significance for Congenital contractural arachnodactyly. Last evaluated: 2018-01-13. Review status: criteria provided, single submitter. Criteria: ICSL Variant Classification Criteria 13 December 2019. Collection method: clinical testing. Allele origin: germline.